The following is an entry in ClinVar:

NM_000548.5(TSC2):c.3285-7T>C

Gene: TSC2 (TSC complex subunit 2; plus strand). Cytogenetic location: 16p13.3.
Variant type: single nucleotide variant.
Coding change: c.3285-7T>C on transcript NM_000548.5 (MANE Select); 7 bases into the intron before coding-DNA position 3285, T replaced by C.
Molecular consequence: intron variant.
Genome position (GRCh38, 1-based): chr16:2,079,550, T>C. VCF-style: chr16-2079550-T-C. GRCh37 (hg19) VCF-style: chr16-2129551-T-C.
Other names: c.3282-7T>C (NM_001406663.1, NM_001406664.1); c.3285-7T>C (NM_001114382.3); c.3156-7T>C (NM_021055.3, NM_001370405.1, NM_001363528.2); c.3153-7T>C (NM_001406665.1, NM_001370404.1, NM_001077183.3); c.1812-7T>C (NM_001406694.1, NM_001406690.1, NM_001406692.1 and 1 more transcripts); c.1809-7T>C (NM_001406695.1, NM_001406696.1, NM_001406691.1 and 1 more transcripts); c.3144-7T>C (NM_001406671.1); c.3141-7T>C (NM_001406673.1); and 18 more.
Identifiers: ClinVar variation 4071109 (VCV004071109.1).

ClinVar aggregate classification (germline): Likely benign (1 of 4 stars; one submission).

Conditions:
Tuberous sclerosis 2 (TSC2). Identifiers: Orphanet 805, MedGen C1860707, MONDO:0013199, OMIM 613254.

Submission:

Myriad Genetics, Inc.
Classification: Likely benign for Tuberous sclerosis 2. Last evaluated: 2025-05-28. Review status: criteria provided, single submitter. Criteria: Myriad Autosomal Dominant, Autosomal Recessive and X-Linked Classification Criteria (2023). Collection method: clinical testing. Allele origin: unknown.
Comment: This variant is considered likely benign. This variant is intronic and is not expected to impact mRNA splicing.